The following is an entry in ClinVar:

ClinVar aggregate classification (germline): Benign/Likely benign. Review status: criteria provided, multiple submitters, no conflicts (2 of 4 stars). 3 submissions from 3 submitters: Benign (1); Likely benign (2). Last evaluated 2025-09-18.

Conditions:
Prostate cancer, hereditary, 9 (HPC9). Identifiers: Orphanet 1331, MedGen C1970250, MONDO:0012597, OMIM 610997.
Hereditary cancer-predisposing syndrome. Also called: Neoplastic Syndromes, Hereditary; Hereditary Cancer Syndrome; Hereditary neoplastic syndrome; Tumor predisposition. Identifiers: Orphanet 140162, MedGen C0027672, MeSH D009386, MONDO:0015356.

Allele frequency attached by ClinVar (database versions not stated): gnomAD exomes below 0.00001; ExAC 0.00001.

Submissions (3):

Labcorp Genetics (formerly Invitae), Labcorp
Classification: Likely benign. Last evaluated: 2025-09-18. Review status: criteria provided, single submitter. Criteria: Invitae Variant Classification Sherloc (09022015). Collection method: clinical testing. Allele origin: germline.

Myriad Genetics, Inc.
Classification: Benign for Prostate cancer, hereditary, 9. Last evaluated: 2024-10-31. Review status: criteria provided, single submitter. Criteria: Myriad Autosomal Dominant, Autosomal Recessive and X-Linked Classification Criteria (2023). Collection method: clinical testing. Allele origin: unknown.
Comment: This variant is considered benign. This variant is a silent/synonymous amino acid change and it is not expected to impact splicing.

Ambry Genetics
Classification: Likely benign for Hereditary cancer-predisposing syndrome. Last evaluated: 2019-05-30. Review status: criteria provided, single submitter. Criteria: Ambry Variant Classification Scheme 2023. Collection method: clinical testing. Allele origin: germline.

NM_006361.6(HOXB13):c.843C>T (p.Ser281=)

Gene: HOXB13 (homeobox B13; minus strand). Cytogenetic location: 17q21.32.
Variant type: single nucleotide variant.
Coding change: c.843C>T on transcript NM_006361.6 (MANE Select); coding-DNA position 843, C replaced by T.
Protein change: p.Ser281=; no amino-acid change (serine 281 retained).
Molecular consequence: synonymous variant.
Genome position (GRCh38, 1-based): chr17:48,726,802, G>A on the plus strand (C>T on the coding strand, the complement: HOXB13 is on the minus strand). VCF-style: chr17-48726802-G-A. GRCh37 (hg19) VCF-style: chr17-46804164-G-A.
Identifiers: ClinVar variation 1650295 (VCV001650295.11), dbSNP rs763047500, ClinGen allele CA8633899.
Genomic context (GRCh38, chr17:48,726,802, plus strand): 5'-CCCAGGACACCCCCACTTTCGCTCCTCCCACCCAGGCAAGGAGATCTCTTAAGGGGTAGC[G>A]CTGTTCTTCACCTTGGCGAGAACCTTCTTCTCTTTGACCCGGCGGTTCTGAAACCAGATG-3'
Protein context (NP_006352.2, residues 271-284): EKKVLAKVKN[Ser281=]ATP